The following is an entry in ClinVar:

NM_000292.3(PHKA2):c.1462C>T (p.Arg488Trp)

Gene: PHKA2 (phosphorylase kinase regulatory subunit alpha 2; minus strand). Cytogenetic location: Xp22.13.
Variant type: single nucleotide variant.
Coding change: c.1462C>T on transcript NM_000292.3 (MANE Select); coding-DNA position 1462, C replaced by T.
Protein change: p.Arg488Trp; replaces arginine 488 with tryptophan.
Molecular consequence: missense variant.
Genome position (GRCh38, 1-based): chrX:18,925,775, G>A on the plus strand (C>T on the coding strand, the complement: PHKA2 is on the minus strand). VCF-style: chrX-18925775-G-A. GRCh37 (hg19) VCF-style: chrX-18943893-G-A.
Other names: short protein forms R488W.
Identifiers: ClinVar variation 2052212 (VCV002052212.4), dbSNP rs779919329, ClinGen allele CA10361873.

ClinVar aggregate classification (germline): Uncertain significance (1 of 4 stars; one submission).

Conditions:
Glycogen storage disease IXa1. Also called: GLYCOGEN STORAGE DISEASE VIII; GSD VIII; Glycogen storage disease 8; LIVER GLYCOGENOSIS, X-LINKED, TYPE I. Identifiers: Orphanet 264580, MedGen C3694531, MONDO:0010598, OMIM 306000.

Allele frequency attached by ClinVar (database versions not stated): ExAC 0.00002; TOPMed 0.00002; gnomAD exomes 0.00003; gnomAD 0.00004.
gnomAD v4.1: 33 of 1,143,816 alleles (0.0029%); highest among the groups gnomAD compares: South Asian, 0.0054%; no homozygotes.

Submission:

Labcorp Genetics (formerly Invitae), Labcorp
Classification: Uncertain significance for Glycogen storage disease IXa1. Last evaluated: 2023-07-17. Review status: criteria provided, single submitter. Criteria: Invitae Variant Classification Sherloc (09022015). Collection method: clinical testing. Allele origin: germline.
Comment: In summary, the available evidence is currently insufficient to determine the role of this variant in disease. Therefore, it has been classified as a Variant of Uncertain Significance. An algorithm developed to predict the effect of missense changes on protein structure and function (PolyPhen-2) suggests that this variant is likely to be disruptive. ClinVar contains an entry for this variant (Variation ID: 2052212). This variant has not been reported in the literature in individuals affected with PHKA2-related conditions. This variant is present in population databases (rs779919329, gnomAD 0.006%). This sequence change replaces arginine, which is basic and polar, with tryptophan, which is neutral and slightly polar, at codon 488 of the PHKA2 protein (p.Arg488Trp).